The following is an entry in ClinVar:

ClinVar aggregate classification (germline): Uncertain significance (1 of 4 stars; one submission).

Conditions:
CXCR4-related disorder. Also called: CXCR4-related condition.

Allele frequency attached by ClinVar (database versions not stated): ExAC 0.00001.

Submission:

PreventionGenetics, part of Exact Sciences
Classification: Uncertain significance for CXCR4-related condition. Last evaluated: 2023-08-29. Review status: criteria provided, single submitter. Criteria: ACMG Guidelines, 2015. Collection method: clinical testing. Allele origin: germline.
Comment: The CXCR4 c.422C>T variant is predicted to result in the amino acid substitution p.Ala141Val. To our knowledge, this variant has not been reported in the literature. This variant is reported in 0.00088% of alleles in individuals of European (Non-Finnish) descent in gnomAD. At this time, the clinical significance of this variant is uncertain due to the absence of conclusive functional and genetic evidence.

NM_003467.3(CXCR4):c.422C>T (p.Ala141Val)

Gene: CXCR4 (C-X-C motif chemokine receptor 4; minus strand). Cytogenetic location: 2q22.1.
Variant type: single nucleotide variant.
Coding change: c.422C>T on transcript NM_003467.3 (MANE Select); coding-DNA position 422, C replaced by T.
Protein change: p.Ala141Val; replaces alanine 141 with valine.
Molecular consequence: missense variant.
Genome position (GRCh38, 1-based): chr2:136,115,506, G>A on the plus strand (C>T on the coding strand, the complement: CXCR4 is on the minus strand). VCF-style: chr2-136115506-G-A. GRCh37 (hg19) VCF-style: chr2-136873076-G-A.
Other names: c.434C>T, p.Ala145Val (NM_001008540.2); c.635C>T, p.Ala212Val (NM_001348056.2); c.521C>T, p.Ala174Val (NM_001348059.2); c.377C>T, p.Ala126Val (NM_001348060.2); short protein forms A126V, A141V, A145V, A174V, A212V.
Identifiers: ClinVar variation 2631163 (VCV002631163.1), dbSNP rs748839679, ClinGen allele CA1890120.